The following is an entry in ClinVar:

ClinVar aggregate classification (germline): Benign. Review status: criteria provided, multiple submitters, no conflicts (2 of 4 stars). 2 submissions from 2 submitters: Benign (2). Last evaluated 2018-06-14.

Allele frequency attached by ClinVar (database versions not stated): gnomAD 0.40031 and 0.40203; TOPMed 0.40839; 1000 Genomes Project 30x 0.51562; 1000 Genomes Project 0.52416.
gnomAD v4.1: 270,347 of 824,134 alleles (33%); highest among the groups gnomAD compares: East Asian, 76%; 53,182 homozygotes.

Submissions (2):

GeneDx
Classification: Benign. Last evaluated: 2018-06-14. Review status: criteria provided, single submitter. Criteria: GeneDx Variant Classification (06012015). Collection method: clinical testing. Allele origin: germline. Affected: yes.
Comment: This variant is considered likely benign or benign based on one or more of the following criteria: it is a conservative change, it occurs at a poorly conserved position in the protein, it is predicted to be benign by multiple in silico algorithms, and/or has population frequency not consistent with disease.

Breakthrough Genomics
Classification: Benign. Review status: criteria provided, single submitter. Criteria: ACMG Guidelines, 2015. Collection method: not provided. Allele origin: germline. Inheritance: Autosomal recessive inheritance. Affected: yes.

NM_153240.5(NPHP3):c.2172-132T>G

Genes: NPHP3 (nephrocystin 3; minus strand), NPHP3-ACAD11 (NPHP3-ACAD11 readthrough (NMD candidate); minus strand). Cytogenetic location: 3q22.1.
Variant type: single nucleotide variant.
Coding change: c.2172-132T>G on transcript NM_153240.5 (MANE Select); 132 bases into the intron before coding-DNA position 2172, T replaced by G.
Molecular consequence: intron variant.
Genome position (GRCh38, 1-based): chr3:132,695,097, A>C on the plus strand (T>G on the coding strand, the complement: NPHP3 is on the minus strand). VCF-style: chr3-132695097-A-C. GRCh37 (hg19) VCF-style: chr3-132413941-A-C.
Identifiers: ClinVar variation 667700 (VCV000667700.2), dbSNP rs10804612, ClinGen allele CA11511272.